The following is an entry in ClinVar:

NM_014679.5(CEP57):c.504+5_504+8del

Gene: CEP57 (centrosomal protein 57; plus strand). Cytogenetic location: 11q21.
Variant type: Microsatellite.
Coding change: c.504+5_504+8del on transcript NM_014679.5 (MANE Select); bases 5 to 8 of the intron after coding-DNA position 504, 4 bases deleted (GTAA; older notation c.504+5_504+8delGTAA).
Molecular consequence: splice donor variant.
Genome position (GRCh38, 1-based): chr11:95,813,594-95,813,597, GTAA deleted; deleting any 4 consecutive bases within chr11:95,813,588-95,813,597 gives the same sequence; the c. name uses the placement nearest the transcript's 3' end. VCF-style (leftmost placement, unchanged base first): chr11-95813587-CAAGT-C. GRCh37 (hg19) VCF-style: chr11-95546751-CAAGT-C.
Other names: c.423+5_423+8del (NM_001363604.2); c.477+5_477+8del (NM_001243776.2); c.504+5_504+8del (NM_001243777.2).
Identifiers: ClinVar variation 3688931 (VCV003688931.2).

ClinVar aggregate classification (germline): Uncertain significance (1 of 4 stars; one submission).

Conditions:
Mosaic variegated aneuploidy syndrome 2 (MVA2). Identifiers: Orphanet 1052, MedGen C3279843, MONDO:0013582, OMIM 614114.

Submission:

Labcorp Genetics (formerly Invitae), Labcorp
Classification: Uncertain significance for Mosaic variegated aneuploidy syndrome 2. Last evaluated: 2024-10-15. Review status: criteria provided, single submitter. Criteria: Invitae Variant Classification Sherloc (09022015). Collection method: clinical testing. Allele origin: germline.
Comment: This sequence change falls in intron 4 of the CEP57 gene. It does not directly change the encoded amino acid sequence of the CEP57 protein. It affects a nucleotide within the consensus splice site. This variant is not present in population databases (gnomAD no frequency). This variant has not been reported in the literature in individuals affected with CEP57-related conditions. Variants that disrupt the consensus splice site are a relatively common cause of aberrant splicing (PMID: 17576681, 9536098). Algorithms developed to predict the effect of sequence changes on RNA splicing suggest that this variant may disrupt the consensus splice site. In summary, the available evidence is currently insufficient to determine the role of this variant in disease. Therefore, it has been classified as a Variant of Uncertain Significance.

Literature cited by the submitters: PubMed 17576681; PubMed 9536098.